The following is an entry in ClinVar:

NM_000368.5(TSC1):c.1079C>A (p.Thr360Asn)

Gene: TSC1 (TSC complex subunit 1; minus strand). Cytogenetic location: 9q34.13.
Variant type: single nucleotide variant.
Coding change: c.1079C>A on transcript NM_000368.5 (MANE Select); coding-DNA position 1079, C replaced by A.
Protein change: p.Thr360Asn; replaces threonine 360 with asparagine.
Molecular consequence: missense variant.
Genome position (GRCh38, 1-based): chr9:132,911,064, G>T on the plus strand (C>A on the coding strand, the complement: TSC1 is on the minus strand). VCF-style: chr9-132911064-G-T. GRCh37 (hg19) VCF-style: chr9-135786451-G-T.
Other names: c.1079C>A, p.Thr360Asn (NM_001162426.2); c.926C>A, p.Thr309Asn (NM_001162427.2); c.716C>A, p.Thr239Asn (NM_001362177.2); short protein forms T360N, T239N, T309N.
Identifiers: ClinVar variation 41687 (VCV000041687.64), dbSNP rs118203493, ClinGen allele CA004387.
Genomic context (GRCh38, chr9:132,911,064, plus strand): 5'-GTTGTACCAAAGACTTTACTGTAAGGGTGTGACAGATCAGGTGGGACATTTCCAGGAGAA[G>T]TTGGAGGAGTGGTCATACCACAAACCATAGATGGGCTCCAAAGAGTAGCCTGGGAAGTTA-3'
Protein context (NP_000359.1, residues 350-370): SMVCGMTTPP[Thr360Asn]SPGNVPPDLS

ClinVar aggregate classification (germline): Benign/Likely benign. Review status: criteria provided, multiple submitters, no conflicts (2 of 4 stars). 22 submissions from 20 submitters: Benign (8); Likely benign (10). 4 of the submissions do not count toward it. Last evaluated 2026-08-01.

Conditions:
Hereditary cancer-predisposing syndrome. Also called: Neoplastic Syndromes, Hereditary; Hereditary neoplastic syndrome; Hereditary Cancer Syndrome; Tumor predisposition. Identifiers: Orphanet 140162, MedGen C0027672, MeSH D009386, MONDO:0015356.
Tuberous sclerosis 1 (TSC1). Identifiers: Orphanet 805, MedGen C1854465, MONDO:0008612, OMIM 191100.
Isolated focal cortical dysplasia type II (FCORD2). Also called: Focal cortical dysplasia type II; CORTICAL DYSPLASIA OF TAYLOR. Identifiers: Orphanet 268994, MedGen C1846385, MONDO:0011818, OMIM 607341, HP:0032051.
Lymphangiomyomatosis (LAM). Also called: Lymphangioleiomyomatosis, somatic; Lymphangioleiomyomatosis. Identifiers: Orphanet 538, MedGen C0751674, MONDO:0011705, OMIM 606690.
Tuberous sclerosis syndrome (TSC). Also called: Tuberous sclerosis; Tuberous Sclerosis Complex. Identifiers: Orphanet 805, MedGen C0041341, MONDO:0001734.
Autism spectrum disorder. Also called: Autism spectrum disorders. Identifiers: MedGen C1510586, MeSH D000067877, MONDO:0005258.

Allele frequency attached by ClinVar (database versions not stated): ESP Exome Variant Server 0.00046; gnomAD exomes 0.00033 and 0.00076; gnomAD 0.00034 and 0.00033; TOPMed 0.00043; ExAC 0.00056.
gnomAD v4.1: 574 of 1,614,070 alleles (0.036%); highest among the groups gnomAD compares: Admixed American, 0.01%; 4 homozygotes.

Submissions (22):

CeGaT Center for Human Genetics Tuebingen
Classification: Benign. Last evaluated: 2026-08-01. Review status: criteria provided, single submitter. Criteria: CeGaT Center For Human Genetics Tuebingen Variant Classification Criteria Version 2. Collection method: clinical testing. Allele origin: germline. Affected: yes. Observed: 25 variant alleles.
Comment: TSC1: PP2, BS1, BS2

Labcorp Genetics (formerly Invitae), Labcorp
Classification: Benign for Tuberous sclerosis 1. Last evaluated: 2026-02-03. Review status: criteria provided, single submitter. Criteria: Invitae Variant Classification Sherloc (09022015). Collection method: clinical testing. Allele origin: germline.

ARUP Laboratories, Molecular Genetics and Genomics, ARUP Laboratories
Classification: Benign. Last evaluated: 2025-04-08. Review status: criteria provided, single submitter. Criteria: ARUP Molecular Germline Variant Investigation Process 2024. Collection method: clinical testing. Allele origin: germline.

Blueprint Genetics
Classification: Likely benign. Last evaluated: 2024-11-18. Review status: criteria provided, single submitter. Criteria: ACMG Guidelines, 2015. Collection method: clinical testing. Allele origin: germline.

All of Us Research Program, National Institutes of Health
Classification: Likely benign for Tuberous sclerosis syndrome. Last evaluated: 2024-09-27. Review status: criteria provided, single submitter. Criteria: ACMG Guidelines, 2015. Collection method: clinical testing. Allele origin: germline. Inheritance: Autosomal dominant inheritance. Observed: 236 variant alleles, 236 heterozygotes.
Comment: This study involves interpretation of variants in research participants for the purpose of population health screening. Participant phenotype was not available at the time of variant classification. Additional details can be found in publication PMID: 35346344, PMCID: PMC8962531

Department of Pathology and Laboratory Medicine, Sinai Health System
Classification: Likely benign for Tuberous sclerosis 1. Last evaluated: 2024-05-28. Review status: criteria provided, single submitter. Criteria: ACMG Guidelines, 2015. Collection method: clinical testing. Allele origin: germline. Affected: yes.

Myriad Genetics, Inc.
Classification: Benign for Tuberous sclerosis 1. Last evaluated: 2023-07-06. Review status: criteria provided, single submitter. Criteria: Myriad Autosomal Dominant, Autosomal Recessive and X-Linked Classification Criteria (2023). Collection method: clinical testing. Allele origin: unknown.
Comment: This variant is considered benign. This variant has been observed at a population frequency that is significantly greater than expected given the associated disease prevalence and penetrance. Homozygosity has been confirmed in one or more individuals. As homozygosity for pathogenic variants in this gene is generally assumed to result in embryonic lethality, this variant is unlikely to be pathogenic.

Color Diagnostics, LLC DBA Color Health
Classification: Likely benign for Tuberous sclerosis syndrome. Last evaluated: 2022-08-30. Review status: criteria provided, single submitter. Criteria: ACMG Guidelines, 2015. Collection method: clinical testing. Allele origin: germline.

Fulgent Genetics
Classification: Likely benign for Tuberous sclerosis 1; Lymphangiomyomatosis; Isolated focal cortical dysplasia type II. Last evaluated: 2022-04-17. Review status: criteria provided, single submitter. Criteria: ACMG Guidelines, 2015. Collection method: clinical testing. Allele origin: unknown.

Genome-Nilou Lab
Classification: Benign for Tuberous sclerosis 1. Last evaluated: 2021-11-07. Review status: criteria provided, single submitter. Criteria: ACMG Guidelines, 2015. Collection method: clinical testing. Allele origin: germline. Affected: no.

Women's Health and Genetics/Laboratory Corporation of America, LabCorp
Classification: Benign. Last evaluated: 2019-12-23. Review status: criteria provided, single submitter. Criteria: LabCorp Variant Classification Summary - May 2015. Collection method: clinical testing. Allele origin: germline.
Comment: Variant summary: TSC1 c.1079C>A (p.Thr360Asn) results in a non-conservative amino acid change in the encoded protein sequence. Three of five in-silico tools predict a damaging effect of the variant on protein function. The variant allele was found at a frequency of 0.00076 in 251326 control chromosomes in the gnomAD database, including 4 homozygotes. The observed variant frequency is approximately 30 fold of the estimated maximal expected allele frequency for a pathogenic variant in TSC1 causing Tuberous Sclerosis Complex phenotype (2.5e-05), strongly suggesting that the variant is benign. To our knowledge, no occurrence of c.1079C>A in individuals affected with Tuberous Sclerosis Complex and no experimental evidence demonstrating its impact on protein function have been reported. Five clinical diagnostic laboratories have submitted clinical-significance assessments for this variant to ClinVar after 2014 without evidence for independent evaluation. All laboratories classified the variant as benign (n=3)/likely benign(n=2). Based on the evidence outlined above, the variant was classified as benign.

Ambry Genetics
Classification: Likely benign for Hereditary cancer-predisposing syndrome. Last evaluated: 2018-10-10. Review status: criteria provided, single submitter. Criteria: Ambry Variant Classification Scheme 2023. Collection method: clinical testing. Allele origin: germline.

Eurofins Ntd Llc (ga)
Classification: Benign. Last evaluated: 2018-04-13. Review status: criteria provided, single submitter. Criteria: EGL ClinVar v180209 classification definitions. Collection method: clinical testing. Allele origin: germline. Observed: 1 variant allele, 1 heterozygote.

GeneDx
Classification: Benign. Last evaluated: 2018-01-10. Review status: criteria provided, single submitter. Criteria: GeneDx Variant Classification (06012015). Collection method: clinical testing. Allele origin: germline. Affected: yes.
Comment: This variant is considered likely benign or benign based on one or more of the following criteria: it is a conservative change, it occurs at a poorly conserved position in the protein, it is predicted to be benign by multiple in silico algorithms, and/or has population frequency not consistent with disease.

Illumina Laboratory Services, Illumina
Classification: Likely benign for Tuberous sclerosis 1. Last evaluated: 2017-04-28. Review status: criteria provided, single submitter. Criteria: ICSL Variant Classification Criteria 13 December 2019. Collection method: clinical testing. Allele origin: germline.
Comment: This variant was observed as part of a predisposition screen in an ostensibly healthy population. A literature search was performed for the gene, cDNA change, and amino acid change (where applicable). Publications were found based on this search. The evidence from the literature, in combination with allele frequency data from public databases where available, was sufficient to determine this variant is unlikely to cause disease. Therefore, this variant is classified as likely benign.

Illumina Laboratory Services, Illumina
Classification: Likely benign for Isolated focal cortical dysplasia type II. Last evaluated: 2017-04-28. Review status: criteria provided, single submitter. Criteria: ICSL Variant Classification Criteria 13 December 2019. Collection method: clinical testing. Allele origin: germline.
Comment: This variant was observed as part of a predisposition screen in an ostensibly healthy population. A literature search was performed for the gene, cDNA change, and amino acid change (where applicable). No publications were found based on this search. Allele frequency data from public databases allowed determination this variant is unlikely to cause disease. Therefore, this variant is classified as likely benign.

Breakthrough Genomics
Classification: Likely benign. Review status: criteria provided, single submitter. Criteria: ACMG Guidelines, 2015. Collection method: not provided. Allele origin: germline. Inheritance: Autosomal dominant inheritance. Affected: yes.

PreventionGenetics, part of Exact Sciences
Classification: Likely benign. Review status: criteria provided, single submitter. Criteria: ACMG Guidelines, 2015. Collection method: clinical testing. Allele origin: germline.

ITMI
No classification provided. Condition: AllHighlyPenetrant. Last evaluated: 2013-09-19. Review status: no classification provided. Collection method: reference population. Allele origin: germline. Not counted in ClinVar's aggregate classification.
Comment: Please see associated publication for description of ethnicities

Biesecker Lab/Clinical Genomics Section, National Institutes of Health
Classification: Uncertain significance. Last evaluated: 2012-07-13. Review status: no assertion criteria provided. Collection method: research. Allele origin: germline. Affected: no. Observed: 2 variant alleles. Study: ClinSeq. Not counted in ClinVar's aggregate classification.
ClinVar note: Converted during submission from variant of unknown significance to Uncertain significance.

Tuberous sclerosis database (TSC1)
No classification provided. Condition: TSC. Review status: no classification provided. Criteria: Tuberous Sclerosis Database Assertion Criteria 2015. Collection method: curation. Allele origin: germline. Affected: yes. Not counted in ClinVar's aggregate classification.

Tuberous sclerosis database (TSC1)
No classification provided. Condition: ASD. Review status: no classification provided. Criteria: Tuberous Sclerosis Database Assertion Criteria 2015. Collection method: curation. Allele origin: germline. Affected: yes. Not counted in ClinVar's aggregate classification.

Literature cited by the submitters: PubMed 23514105 (cited by Ambry Genetics and Illumina Laboratory Services, Illumina); PubMed 24728327 (cited by ITMI).